The following is an entry in ClinVar:

NM_020738.4(KIDINS220):c.3615A>G (p.Val1205=)

Gene: KIDINS220 (kinase D interacting substrate 220; minus strand). Cytogenetic location: 2p25.1.
Variant type: single nucleotide variant.
Coding change: c.3615A>G on transcript NM_020738.4 (MANE Select); coding-DNA position 3615, A replaced by G.
Protein change: p.Val1205=; no amino-acid change (valine 1205 retained).
Molecular consequence: synonymous variant. On other transcripts: non-coding transcript variant (2).
Genome position (GRCh38, 1-based): chr2:8,736,970, T>C on the plus strand (A>G on the coding strand, the complement: KIDINS220 is on the minus strand). VCF-style: chr2-8736970-T-C. GRCh37 (hg19) VCF-style: chr2-8877100-T-C.
Other names: c.3618A>G, p.Val1206= (NM_001348729.2); c.3561A>G, p.Val1187= (NM_001348731.2); c.3558A>G, p.Val1186= (NM_001348732.2, NM_001348738.2); c.3447A>G, p.Val1149= (NM_001348734.2, NM_001348739.2, NM_001348740.2); c.3444A>G, p.Val1148= (NM_001348735.2, NM_001348741.2, NM_001348742.2 and 1 more transcripts); c.3318A>G, p.Val1106= (NM_001348736.2).
Identifiers: ClinVar variation 3046136 (VCV003046136.3), dbSNP rs977904527, ClinGen allele CA42330068.
Genomic context (GRCh38, chr2:8,736,970, plus strand): 5'-CAGCCCTTCTATTTGTTTCAGCTTCTCACATACTGCATCCACATTCAGTGAATTCAGTAA[T>C]ACCACTGGGCCTGGGGCTGGGCCTGACCCCTAGAGAAGTCAAGGAAAAATACAGGTATGA-3'
Protein context (NP_065789.1, residues 1195-1215): RGSGPAPGPV[Val1205=]LLNSLNVDAV

ClinVar aggregate classification (germline): Likely benign. Review status: criteria provided, single submitter (1 of 4 stars). 2 submissions from 2 submitters: Likely benign (1). 1 of the submissions does not count toward it. Last evaluated 2025-09-29.

Conditions:
KIDINS220-related disorder. Also called: KIDINS220-related condition.

Allele frequency attached by ClinVar (database versions not stated): TOPMed 0.00001; gnomAD exomes 0.00002.
gnomAD v4.1: 25 of 1,614,200 alleles (0.0015%); highest among the groups gnomAD compares: Non-Finnish European, 0.002%; no homozygotes.

Submissions (2):

Labcorp Genetics (formerly Invitae), Labcorp
Classification: Likely benign. Last evaluated: 2025-09-29. Review status: criteria provided, single submitter. Criteria: Invitae Variant Classification Sherloc (09022015). Collection method: clinical testing. Allele origin: germline.

PreventionGenetics, part of Exact Sciences
Classification: Likely benign for KIDINS220-related condition. Last evaluated: 2022-02-08. Review status: no assertion criteria provided. Collection method: clinical testing. Allele origin: germline. Not counted in ClinVar's aggregate classification.
Comment: This variant is classified as likely benign based on ACMG/AMP sequence variant interpretation guidelines (Richards et al. 2015 PMID: 25741868, with internal and published modifications).